The following is an entry in ClinVar:

ClinVar aggregate classification (germline): Uncertain significance (1 of 4 stars; one submission).

Conditions:
Bethlem myopathy 2 (BTHLM2). Identifiers: Orphanet 536516, Orphanet 610, MedGen C4225313, MONDO:0034022, OMIM 616471.
Ullrich congenital muscular dystrophy 2 (UCMD2). Identifiers: Orphanet 75840, MedGen C4225314, MONDO:0014654, OMIM 616470.

Submission:

Labcorp Genetics (formerly Invitae), Labcorp
Classification: Uncertain significance for Bethlem myopathy 2; Ullrich congenital muscular dystrophy 2. Last evaluated: 2022-05-05. Review status: criteria provided, single submitter. Criteria: Invitae Variant Classification Sherloc (09022015). Collection method: clinical testing. Allele origin: germline.
Comment: In summary, the available evidence is currently insufficient to determine the role of this variant in disease. Therefore, it has been classified as a Variant of Uncertain Significance. Algorithms developed to predict the effect of missense changes on protein structure and function are either unavailable or do not agree on the potential impact of this missense change (SIFT: "Deleterious"; PolyPhen-2: "Probably Damaging"; Align-GVGD: "Class C0"). This variant has not been reported in the literature in individuals affected with COL12A1-related conditions. This variant is not present in population databases (gnomAD no frequency). This sequence change replaces glycine, which is neutral and non-polar, with valine, which is neutral and non-polar, at codon 2762 of the COL12A1 protein (p.Gly2762Val).

NM_004370.6(COL12A1):c.8285G>T (p.Gly2762Val)

Gene: COL12A1 (collagen type XII alpha 1 chain; minus strand). Cytogenetic location: 6q13.
Variant type: single nucleotide variant.
Coding change: c.8285G>T on transcript NM_004370.6 (MANE Select); coding-DNA position 8285, G replaced by T.
Protein change: p.Gly2762Val; replaces glycine 2762 with valine.
Molecular consequence: missense variant.
Genome position (GRCh38, 1-based): chr6:75,103,791, C>A on the plus strand (G>T on the coding strand, the complement: COL12A1 is on the minus strand). VCF-style: chr6-75103791-C-A. GRCh37 (hg19) VCF-style: chr6-75813507-C-A.
Other names: c.4793G>T, p.Gly1598Val (NM_080645.3); short protein forms G1598V, G2762V.
Identifiers: ClinVar variation 2130603 (VCV002130603.4), dbSNP rs2533110310, ClinGen allele CA364740158.
Genomic context (GRCh38, chr6:75,103,791, plus strand): 5'-TTAAATGCACTCTAAAATATACTTACAATTGCCCCACTGATACCTCTTTCACCTCTGGGA[C>A]CTTTAGCACCAGGTCCTCCCTAAAATACATAGAGCACATAGTAGTGTGAACATAGGAAAA-3'
Protein context (NP_004361.3, residues 2752-2772): PGPAGGPGAK[Gly2762Val]PRGERGISGA